The following is an entry in ClinVar:

NM_000053.4(ATP7B):c.3800A>T (p.Asp1267Val)

Gene: ATP7B (ATPase copper transporting beta; minus strand). Cytogenetic location: 13q14.3.
Variant type: single nucleotide variant.
Coding change: c.3800A>T on transcript NM_000053.4 (MANE Select); coding-DNA position 3800, A replaced by T.
Protein change: p.Asp1267Val; replaces aspartic acid 1267 with valine.
Molecular consequence: missense variant. On other transcripts: intron variant (1).
Genome position (GRCh38, 1-based): chr13:51,937,579, T>A on the plus strand (A>T on the coding strand, the complement: ATP7B is on the minus strand). VCF-style: chr13-51937579-T-A. GRCh37 (hg19) VCF-style: chr13-52511715-T-A.
Other names: c.3152A>T, p.Asp1051Val (NM_001406545.1); c.3119A>T, p.Asp1040Val (NM_001406546.1); c.2957A>T, p.Asp986Val (NM_001406547.1); c.2510A>T, p.Asp837Val (NM_001406548.1); c.3700-186A>T (NM_001406526.1); c.3179A>T, p.Asp1060Val (NM_001005918.3); c.3467A>T, p.Asp1156Val (NM_001243182.2); c.3566A>T, p.Asp1189Val (NM_001330578.2, NM_001406527.1, NM_001406528.1); and 21 more; short protein forms D1040V, D1051V, D1060V, D1073V, D1103V, D1105V, D1118V, D1124V.
Identifiers: ClinVar variation 4063508 (VCV004063508.3).

ClinVar aggregate classification (germline): Likely pathogenic. Review status: criteria provided, multiple submitters, no conflicts (2 of 4 stars). 2 submissions from 2 submitters: Likely pathogenic (2). Last evaluated 2026-01-20.

Conditions:
Wilson disease (WND). Also called: Wilson's disease. Identifiers: Orphanet 905, MedGen C0019202, MONDO:0010200, OMIM 277900. Disease mechanism: loss of function.

gnomAD v4.1: 1 of 1,614,192 alleles (0.000062%); highest among the groups gnomAD compares: Non-Finnish European, 0.000085%; no homozygotes.

Submissions (2):

Natera, Inc.
Classification: Likely pathogenic for Wilson disease. Last evaluated: 2026-01-20. Review status: criteria provided, single submitter. Criteria: Natera Variant Classification Schema (03/2026). Collection method: clinical testing. Allele origin: germline.
Comment: The c.3800A>T variant in ATP7B is a missense variant predicted to cause substitution of aspartic acid to valine at amino acid 1267. This variant is rare in the general population with a frequency below the threshold expected for the associated phenotype(s). This variant has been observed in one or more individuals affected with the associated recessive disease, as either homozygous or compound heterozygous with a second variant (PMID: 31897936, 30232804, 30230192, 36096368). A different variant at the same position has been determined to be Pathogenic or Likely Pathogenic. Computational prediction algorithms indicate this variant is likely to affect gene or protein function. Given the available evidence, this variant is classified as Likely Pathogenic.

Myriad Genetics, Inc.
Classification: Likely pathogenic for Wilson disease. Last evaluated: 2025-07-23. Review status: criteria provided, single submitter. Criteria: Myriad Autosomal Dominant, Autosomal Recessive and X-Linked Classification Criteria (2023). Collection method: clinical testing. Allele origin: unknown.
Comment: NM_000053.3(ATP7B):c.3800A>T(D1267V) is a missense variant classified as likely pathogenic in the context of Wilson disease. D1267V has been observed in cases with relevant disease (PMID: 36096368, 30230192, 30232804, 31897936). Relevant functional assessments of this variant are available in the literature (PMID: 20333758). D1267V has not been observed in referenced population frequency databases. In summary, NM_000053.3(ATP7B):c.3800A>T(D1267V) is a missense variant that has been observed more frequently in cases with the relevant disease than in healthy populations. Please note: this variant was assessed in the context of healthy population screening.

Literature cited by the submitters: PubMed 31897936 (cited by Natera, Inc. and Myriad Genetics, Inc.); PubMed 30232804 (cited by Natera, Inc. and Myriad Genetics, Inc.); PubMed 30230192 (cited by Natera, Inc. and Myriad Genetics, Inc.); PubMed 36096368 (cited by Natera, Inc. and Myriad Genetics, Inc.); PubMed 20333758 (cited by Myriad Genetics, Inc.).